The following is an entry in ClinVar:

ClinVar aggregate classification (germline): Uncertain significance (1 of 4 stars; one submission).

Submission:

Labcorp Genetics (formerly Invitae), Labcorp
Classification: Uncertain significance. Last evaluated: 2019-08-29. Review status: criteria provided, single submitter. Criteria: Invitae Variant Classification Sherloc (09022015). Collection method: clinical testing. Allele origin: germline.
Comment: In summary, the available evidence is currently insufficient to determine the role of this variant in disease. Therefore, it has been classified as a Variant of Uncertain Significance. This sequence change results in a premature translational stop signal in the GEN1 gene (p.Pro868Glnfs*8). While this is not anticipated to result in nonsense mediated decay, it is expected to disrupt the last 41 amino acids of the GEN1 protein. This variant is not present in population databases (ExAC no frequency). This variant has not been reported in the literature in individuals with GEN1-related conditions. Experimental studies and prediction algorithms are not available or were not evaluated for this variant, and the functional significance of this variant is currently unknown.

NM_001130009.3(GEN1):c.2603del (p.Pro868fs)

Gene: GEN1 (GEN1 structure-specific endonuclease; plus strand). Cytogenetic location: 2p24.2.
Variant type: Deletion.
Coding change: c.2603del on transcript NM_001130009.3 (MANE Select); coding-DNA position 2603, one base deleted (C; older notation c.2603delC).
Protein change: p.Pro868fs; shifts the reading frame from proline 868.
Molecular consequence: frameshift variant.
Genome position (GRCh38, 1-based): chr2:17,781,815, C deleted; the last of 3 consecutive C bases (chr2:17,781,813-17,781,815); deleting any one gives the same sequence. VCF-style (leftmost placement, unchanged base first): chr2-17781812-TC-T. GRCh37 (hg19) VCF-style: chr2-17963079-TC-T.
Other names: c.2603del, p.Pro868fs (NM_182625.5); short protein forms P868fs.
Identifiers: ClinVar variation 936873 (VCV000936873.7), dbSNP rs1672853719, ClinGen allele CA1028009799.
Genomic context (GRCh38, chr2:17,781,812, plus strand): 5'-TTAAAGAAACTGAACAGTGTGTCAGATCTTATGAAACAGCTGAAAATGAAGAAAGCTGTT[TC>T]CCAGATTCAACAAAAAGTTCTCTGAGTTCTCTACAATGTCATAAGAAAGAAAACAACTCT-3'